The following is an entry in ClinVar:

NM_000455.5(STK11):c.685G>T (p.Asp229Tyr)

Gene: STK11 (serine/threonine kinase 11; plus strand). Cytogenetic location: 19p13.3.
Variant type: single nucleotide variant.
Coding change: c.685G>T on transcript NM_000455.5 (MANE Select); coding-DNA position 685, G replaced by T.
Protein change: p.Asp229Tyr; replaces aspartic acid 229 with tyrosine.
Molecular consequence: missense variant. On other transcripts: non-coding transcript variant (1).
Genome position (GRCh38, 1-based): chr19:1,220,668, G>T. VCF-style: chr19-1220668-G-T. GRCh37 (hg19) VCF-style: chr19-1220667-G-T.
Other names: c.685G>T, p.Asp229Tyr (NM_001407255.1); short protein forms D229Y.
Identifiers: ClinVar variation 3894213 (VCV003894213.1).

ClinVar aggregate classification (germline): Uncertain significance (1 of 4 stars; one submission).

Conditions:
Hereditary cancer-predisposing syndrome. Also called: Neoplastic Syndromes, Hereditary; Tumor predisposition; Hereditary Cancer Syndrome; Hereditary neoplastic syndrome. Identifiers: Orphanet 140162, MedGen C0027672, MeSH D009386, MONDO:0015356.

Submission:

Color Diagnostics, LLC DBA Color Health
Classification: Uncertain significance for Hereditary cancer-predisposing syndrome. Last evaluated: 2025-01-13. Review status: criteria provided, single submitter. Criteria: ACMG Guidelines, 2015. Collection method: clinical testing. Allele origin: germline.
Comment: This missense variant replaces aspartic acid with tyrosine at codon 229 of the STK11 protein. Computational prediction suggests that this variant may not impact protein structure and function (internally defined REVEL score threshold <= 0.5, PMID: 27666373). To our knowledge, functional studies have not been reported for this variant. This variant has not been reported in individuals affected with STK11-related disorders in the literature. This variant has not been identified in the general population by the Genome Aggregation Database (gnomAD). The available evidence is insufficient to determine the role of this variant in disease conclusively. Therefore, this variant is classified as a Variant of Uncertain Significance.